The following is an entry in ClinVar:

ClinVar aggregate classification (germline): Conflicting classifications of pathogenicity. Review status: criteria provided, conflicting classifications (1 of 4 stars). 2 submissions from 2 submitters: Uncertain significance (1); Likely benign (1). Last evaluated 2025-05-01.

Conditions:
Inborn genetic diseases. Identifiers: MedGen C0950123, MeSH D030342.

Allele frequency attached by ClinVar (database versions not stated): TOPMed below 0.00001; gnomAD exomes 0.00001.
gnomAD v4.1: 20 of 1,613,638 alleles (0.0012%); highest among the groups gnomAD compares: Admixed American, 0.0017%; no homozygotes.

Submissions (2):

Ambry Genetics
Classification: Likely benign for Inborn genetic diseases. Last evaluated: 2025-05-01. Review status: criteria provided, single submitter. Criteria: Ambry Variant Classification Scheme 2023. Collection method: clinical testing. Allele origin: germline.

Labcorp Genetics (formerly Invitae), Labcorp
Classification: Uncertain significance. Last evaluated: 2023-05-08. Review status: criteria provided, single submitter. Criteria: Invitae Variant Classification Sherloc (09022015). Collection method: clinical testing. Allele origin: germline.
Comment: In summary, the available evidence is currently insufficient to determine the role of this variant in disease. Therefore, it has been classified as a Variant of Uncertain Significance. Experimental studies and prediction algorithms are not available or were not evaluated, and the functional significance of this variant is currently unknown. ClinVar contains an entry for this variant (Variation ID: 1463418). This variant has not been reported in the literature in individuals affected with COL18A1-related conditions. This variant is present in population databases (no rsID available, gnomAD 0.002%). This sequence change replaces valine, which is neutral and non-polar, with isoleucine, which is neutral and non-polar, at codon 69 of the COL18A1 protein (p.Val69Ile).

NM_001379500.1(COL18A1):c.205G>A (p.Val69Ile)

Gene: COL18A1 (collagen type XVIII alpha 1 chain; plus strand). Cytogenetic location: 21q22.3.
Variant type: single nucleotide variant.
Coding change: c.205G>A on transcript NM_001379500.1 (MANE Select); coding-DNA position 205, G replaced by A.
Protein change: p.Val69Ile; replaces valine 69 with isoleucine.
Molecular consequence: missense variant.
Genome position (GRCh38, 1-based): chr21:45,468,340, G>A. VCF-style: chr21-45468340-G-A. GRCh37 (hg19) VCF-style: chr21-46888254-G-A.
Other names: NM_130445.2:c.205G>A; c.745G>A, p.Val249Ile (NM_030582.4); c.1450G>A, p.Val484Ile (NM_130444.3); short protein forms V249I, V484I, V69I.
Identifiers: ClinVar variation 1463418 (VCV001463418.5), dbSNP rs1405984023, ClinGen allele CA410511561.